The following is an entry in ClinVar:

ClinVar aggregate classification (germline): Likely benign (0 of 4 stars; one submission).

Conditions:
CTDP1-related disorder. Also called: CTDP1-related condition.

Allele frequency attached by ClinVar (database versions not stated): TOPMed 0.00002; gnomAD 0.00003; gnomAD exomes 0.00004; ExAC 0.00005; 1000 Genomes Project 0.00020; 1000 Genomes Project 30x 0.00031.
gnomAD v4.1: 60 of 1,603,378 alleles (0.0037%); highest among the groups gnomAD compares: Non-Finnish European, 0.0045%; no homozygotes.

Submission:

PreventionGenetics, part of Exact Sciences
Classification: Likely benign for CTDP1-related condition. Last evaluated: 2023-10-12. Review status: no assertion criteria provided. Collection method: clinical testing. Allele origin: germline.
Comment: This variant is classified as likely benign based on ACMG/AMP sequence variant interpretation guidelines (Richards et al. 2015 PMID: 25741868, with internal and published modifications).

NM_004715.5(CTDP1):c.1338G>A (p.Thr446=)

Gene: CTDP1 (CTD phosphatase subunit 1; plus strand). Cytogenetic location: 18q23.
Variant type: single nucleotide variant.
Coding change: c.1338G>A on transcript NM_004715.5 (MANE Select); coding-DNA position 1338, G replaced by A.
Protein change: p.Thr446=; no amino-acid change (threonine 446 retained).
Molecular consequence: synonymous variant.
Genome position (GRCh38, 1-based): chr18:79,714,798, G>A. VCF-style: chr18-79714798-G-A. GRCh37 (hg19) VCF-style: chr18-77474798-G-A.
Other names: c.981G>A, p.Thr327= (NM_001202504.1); c.1338G>A, p.Thr446= (NM_001318511.2, NM_048368.4).
Identifiers: ClinVar variation 3057698 (VCV003057698.2), dbSNP rs573314400, ClinGen allele CA9010285.